The following is an entry in ClinVar:

ClinVar aggregate classification (germline): Uncertain significance (1 of 4 stars; one submission).

Submission:

GeneDx
Classification: Uncertain significance. Last evaluated: 2025-07-29. Review status: criteria provided, single submitter. Criteria: GeneDx Variant Classification Process June 2021. Collection method: clinical testing. Allele origin: germline. Affected: yes.
Comment: Not observed at significant frequency in large population cohorts (gnomAD); In silico analysis supports that this missense variant has a deleterious effect on protein structure/function; Has not been previously published as pathogenic or benign to our knowledge

NM_006922.4(SCN3A):c.4200T>G (p.Phe1400Leu)

Gene: SCN3A (sodium voltage-gated channel alpha subunit 3; minus strand). Cytogenetic location: 2q24.3.
Variant type: single nucleotide variant.
Coding change: c.4200T>G on transcript NM_006922.4 (MANE Select); coding-DNA position 4200, T replaced by G.
Protein change: p.Phe1400Leu; replaces phenylalanine 1400 with leucine.
Molecular consequence: missense variant.
Genome position (GRCh38, 1-based): chr2:165,097,291, A>C on the plus strand (T>G on the coding strand, the complement: SCN3A is on the minus strand). VCF-style: chr2-165097291-A-C. GRCh37 (hg19) VCF-style: chr2-165953801-A-C.
Other names: c.4053T>G, p.Phe1351Leu (NM_001081676.2, NM_001081677.2); short protein forms F1351L, F1400L.
Identifiers: ClinVar variation 4755837 (VCV004755837.1).